The following is an entry in ClinVar:

NM_023110.3(FGFR1):c.2292+6G>T

Gene: FGFR1 (fibroblast growth factor receptor 1; minus strand). Cytogenetic location: 8p11.23.
Variant type: single nucleotide variant.
Coding change: c.2292+6G>T on transcript NM_023110.3 (MANE Select); 6 bases into the intron after coding-DNA position 2292, G replaced by T.
Molecular consequence: intron variant.
Genome position (GRCh38, 1-based): chr8:38,413,912, C>A on the plus strand (G>T on the coding strand, the complement: FGFR1 is on the minus strand). VCF-style: chr8-38413912-C-A. GRCh37 (hg19) VCF-style: chr8-38271430-C-A.
Other names: c.2013+6G>T (NM_001354368.2); c.2019+6G>T (NM_001354370.2, NM_023106.3); c.2025+6G>T (NM_023105.3, NM_001174066.2); c.2286+6G>T (NM_001354367.2, NM_015850.4, NM_001174063.2 and 1 more transcripts); c.2262+6G>T (NM_001174064.2); c.2280+6G>T (NM_001354369.2); c.2385+6G>T (NM_001174067.2).
Identifiers: ClinVar variation 838427 (VCV000838427.5), dbSNP rs905873179, ClinGen allele CA175137973.

ClinVar aggregate classification (germline): Uncertain significance (1 of 4 stars; one submission).

Conditions:
Hypogonadotropic hypogonadism 2 with or without anosmia (HH2). Also called: HYPOGONADOTROPIC HYPOGONADISM 2 WITHOUT ANOSMIA; HYPOGONADOTROPIC HYPOGONADISM 2 WITH OR WITHOUT ANOSMIA, SUSCEPTIBILITY TO; HYPOGONADOTROPIC HYPOGONADISM 2 WITHOUT ANOSMIA, SUSCEPTIBILITY TO; FGFR1-Related GnRH Deficiency (Kallmann Syndrome 2). Identifiers: Orphanet 478, MedGen C1563720, MONDO:0007844, OMIM 147950. Disease mechanism: loss of function.
Pfeiffer syndrome (ACS5). Also called: ACS V. Identifiers: Orphanet 710, MedGen C0220658, MONDO:0007043, OMIM 101600.

Allele frequency attached by ClinVar (database versions not stated): gnomAD 0.00001; gnomAD exomes 0.00001 and 0.00003; TOPMed 0.00002.
gnomAD v4.1: 52 of 1,613,742 alleles (0.0032%); highest among the groups gnomAD compares: Non-Finnish European, 0.0043%; no homozygotes.

Submission:

Labcorp Genetics (formerly Invitae), Labcorp
Classification: Uncertain significance for Pfeiffer syndrome; Hypogonadotropic hypogonadism 2 with or without anosmia. Last evaluated: 2019-12-11. Review status: criteria provided, single submitter. Criteria: Invitae Variant Classification Sherloc (09022015). Collection method: clinical testing. Allele origin: germline.
Comment: In summary, the available evidence is currently insufficient to determine the role of this variant in disease. Therefore, it has been classified as a Variant of Uncertain Significance. Nucleotide substitutions within the consensus splice site are a relatively common cause of aberrant splicing (PMID: 17576681, 9536098). Algorithms developed to predict the effect of sequence changes on RNA splicing suggest that this variant is not likely to affect RNA splicing, but this prediction has not been confirmed by published transcriptional studies. This variant has not been reported in the literature in individuals with FGFR1-related conditions. This variant is not present in population databases (ExAC no frequency). This sequence change falls in intron 17 of the FGFR1 gene. It does not directly change the encoded amino acid sequence of the FGFR1 protein, but it affects a nucleotide within the consensus splice site of the intron.

Literature cited by the submitters: PubMed 17576681; PubMed 9536098.